The following is an entry in ClinVar:

ClinVar aggregate classification (germline): Uncertain significance (1 of 4 stars; one submission).

Conditions:
Mosaic variegated aneuploidy syndrome 1 (MVA1). Also called: Warburton-Anyane-Yeboa syndrome. Identifiers: Orphanet 1052, MedGen C1850343, MONDO:0009759, OMIM 257300.

Submission:

Labcorp Genetics (formerly Invitae), Labcorp
Classification: Uncertain significance for Mosaic variegated aneuploidy syndrome 1. Last evaluated: 2023-05-25. Review status: criteria provided, single submitter. Criteria: Invitae Variant Classification Sherloc (09022015). Collection method: clinical testing. Allele origin: germline.
Comment: In summary, the available evidence is currently insufficient to determine the role of this variant in disease. Therefore, it has been classified as a Variant of Uncertain Significance. An algorithm developed to predict the effect of missense changes on protein structure and function (PolyPhen-2) suggests that this variant is likely to be tolerated. This variant has not been reported in the literature in individuals affected with BUB1B-related conditions. This variant is not present in population databases (gnomAD no frequency). This sequence change replaces glutamine, which is neutral and polar, with lysine, which is basic and polar, at codon 47 of the BUB1B protein (p.Gln47Lys).

NM_001211.6(BUB1B):c.139C>A (p.Gln47Lys)

Gene: BUB1B (BUB1 mitotic checkpoint serine/threonine kinase B; plus strand). Cytogenetic location: 15q15.1.
Variant type: single nucleotide variant.
Coding change: c.139C>A on transcript NM_001211.6 (MANE Select); coding-DNA position 139, C replaced by A.
Protein change: p.Gln47Lys; replaces glutamine 47 with lysine.
Molecular consequence: missense variant.
Genome position (GRCh38, 1-based): chr15:40,165,156, C>A. VCF-style: chr15-40165156-C-A. GRCh37 (hg19) VCF-style: chr15-40457357-C-A.
Other names: short protein forms Q47K.
Identifiers: ClinVar variation 2793084 (VCV002793084.3), dbSNP rs2542508769, ClinGen allele CA391677203.